The following is an entry in ClinVar:

ClinVar aggregate classification (germline): Likely pathogenic (1 of 4 stars; one submission).

Conditions:
RYR1-related disorder. Also called: RYR1-related condition; RYR1-related disorders. Identifiers: MedGen CN239331.

Submission:

Labcorp Genetics (formerly Invitae), Labcorp
Classification: Likely pathogenic for RYR1-related disorder. Last evaluated: 2019-02-07. Review status: criteria provided, single submitter. Criteria: Invitae Variant Classification Sherloc (09022015). Collection method: clinical testing. Allele origin: germline.
Comment: This sequence change replaces serine with tyrosine at codon 4830 of the RYR1 protein (p.Ser4830Tyr). The serine residue is highly conserved and there is a large physicochemical difference between serine and tyrosine. This variant is not present in population databases (ExAC no frequency). This variant has been observed to be de novo in an individual affected with generalized muscle weakness (Invitae). Algorithms developed to predict the effect of missense changes on protein structure and function (SIFT, PolyPhen-2, Align-GVGD) all suggest that this variant is likely to be disruptive, but these predictions have not been confirmed by published functional studies and their clinical significance is uncertain. In summary, the currently available evidence indicates that the variant is pathogenic, but additional data are needed to prove that conclusively. Therefore, this variant has been classified as Likely Pathogenic. This sequence change is located in a region of the RYR1 protein where a significant number of previously reported RYR1 missense mutations are found (PMID: 16084090).

Literature cited by the submitters: PubMed 16084090.

NM_000540.3(RYR1):c.14489C>A (p.Ser4830Tyr)

Gene: RYR1 (ryanodine receptor 1; plus strand). Cytogenetic location: 19q13.2.
Variant type: single nucleotide variant.
Coding change: c.14489C>A on transcript NM_000540.3 (MANE Select); coding-DNA position 14489, C replaced by A.
Protein change: p.Ser4830Tyr; replaces serine 4830 with tyrosine.
Molecular consequence: missense variant.
Genome position (GRCh38, 1-based): chr19:38,580,106, C>A. VCF-style: chr19-38580106-C-A. GRCh37 (hg19) VCF-style: chr19-39070746-C-A.
Other names: c.14474C>A, p.Ser4825Tyr (NM_001042723.2); short protein forms S4830Y, S4825Y.
Identifiers: ClinVar variation 478200 (VCV000478200.10), dbSNP rs1555803852, ClinGen allele CA405687375.
Genomic context (GRCh38, chr19:38,580,106, plus strand): 5'-TTGCTGCCCATCTCCTGGACATCGCCATGGGGGTCAAGACGCTGCGCACCATCCTGTCCT[C>A]TGTCACCCACAATGGGAAACAGGTGTGGGGAGGACCTGGCTGTGGGGCGTGGGCCAGCAG-3'
Protein context (NP_000531.2, residues 4820-4840): GVKTLRTILS[Ser4830Tyr]VTHNGKQLVM